The following is an entry in ClinVar:

NM_004304.5(ALK):c.365C>T (p.Thr122Met)

Gene: ALK (ALK receptor tyrosine kinase; minus strand). Cytogenetic location: 2p23.1.
Variant type: single nucleotide variant.
Coding change: c.365C>T on transcript NM_004304.5 (MANE Select); coding-DNA position 365, C replaced by T.
Protein change: p.Thr122Met; replaces threonine 122 with methionine.
Molecular consequence: missense variant.
Genome position (GRCh38, 1-based): chr2:29,920,295, G>A on the plus strand (C>T on the coding strand, the complement: ALK is on the minus strand). VCF-style: chr2-29920295-G-A. GRCh37 (hg19) VCF-style: chr2-30143161-G-A.
Other names: short protein forms T122M.
Identifiers: ClinVar variation 538194 (VCV000538194.9), dbSNP rs1367800764, ClinGen allele CA346590181.

ClinVar aggregate classification (germline): Uncertain significance. Review status: criteria provided, multiple submitters, no conflicts (2 of 4 stars). 2 submissions from 2 submitters: Uncertain significance (2). Last evaluated 2025-09-27.

Conditions:
Neuroblastoma, susceptibility to, 3. Also called: ALK-Related Neuroblastic Tumor Susceptibility. Identifiers: Orphanet 635, MedGen C2751681, MONDO:0013083, OMIM 613014.
Hereditary cancer-predisposing syndrome. Also called: Neoplastic Syndromes, Hereditary; Tumor predisposition; Hereditary Cancer Syndrome; Hereditary neoplastic syndrome. Identifiers: Orphanet 140162, MedGen C0027672, MeSH D009386, MONDO:0015356.

Allele frequency attached by ClinVar (database versions not stated): gnomAD 0.00001; gnomAD exomes 0.00001; TOPMed 0.00002.
gnomAD v4.1: 2 of 1,569,366 alleles (0.00013%); highest among the groups gnomAD compares: East Asian, 0.0024%; no homozygotes.

Submissions (2):

Labcorp Genetics (formerly Invitae), Labcorp
Classification: Uncertain significance for Neuroblastoma, susceptibility to, 3. Last evaluated: 2025-09-27. Review status: criteria provided, single submitter. Criteria: Invitae Variant Classification Sherloc (09022015). Collection method: clinical testing. Allele origin: germline.
Comment: This sequence change replaces threonine, which is neutral and polar, with methionine, which is neutral and non-polar, at codon 122 of the ALK protein (p.Thr122Met). The frequency data for this variant in the population databases is considered unreliable, as metrics indicate poor data quality at this position in the gnomAD database. This variant has not been reported in the literature in individuals affected with ALK-related conditions. ClinVar contains an entry for this variant (Variation ID: 538194). An algorithm developed to predict the effect of missense changes on protein structure and function (PolyPhen-2) suggests that this variant is likely to be tolerated. In summary, the available evidence is currently insufficient to determine the role of this variant in disease. Therefore, it has been classified as a Variant of Uncertain Significance.

Ambry Genetics
Classification: Uncertain significance for Hereditary cancer-predisposing syndrome. Last evaluated: 2024-05-23. Review status: criteria provided, single submitter. Criteria: Ambry Variant Classification Scheme 2023. Collection method: clinical testing. Allele origin: germline.
Comment: The p.T122M variant (also known as c.365C>T), located in coding exon 1 of the ALK gene, results from a C to T substitution at nucleotide position 365. The threonine at codon 122 is replaced by methionine, an amino acid with similar properties. This amino acid position is conserved. In addition, this alteration is predicted to be tolerated by in silico analysis. Based on the available evidence, the clinical significance of this variant remains unclear.